The following is an entry in ClinVar:

NM_001453.3(FOXC1):c.1007C>T (p.Ala336Val)

Gene: FOXC1 (forkhead box C1; plus strand). Cytogenetic location: 6p25.3.
Variant type: single nucleotide variant.
Coding change: c.1007C>T on transcript NM_001453.3 (MANE Select); coding-DNA position 1007, C replaced by T.
Protein change: p.Ala336Val; replaces alanine 336 with valine.
Molecular consequence: missense variant.
Genome position (GRCh38, 1-based): chr6:1,611,452, C>T. VCF-style: chr6-1611452-C-T. GRCh37 (hg19) VCF-style: chr6-1611687-C-T.
Other names: short protein forms A336V.
Identifiers: ClinVar variation 2689086 (VCV002689086.6), dbSNP rs2480505082, ClinGen allele CA362560031.
Genomic context (GRCh38, chr6:1,611,452, plus strand): 5'-CGCTGCGGGGGTCGCCGCAGAGCGCGGCCGCGGAGCTCAGCTCCGGCCTTCTGGCCTCGG[C>T]GGCCGCGTCCTCGCGCGCGGGGATCGCACCCCCGCTGGCGCTCGGCGCCTACTCGCCCGG-3'
Protein context (NP_001444.2, residues 326-346): AELSSGLLAS[Ala336Val]AASSRAGIAP

ClinVar aggregate classification (germline): Uncertain significance. Review status: criteria provided, multiple submitters, no conflicts (2 of 4 stars). 3 submissions from 3 submitters: Uncertain significance (3). Last evaluated 2024-01-08.

Conditions:
Anterior segment dysgenesis 3 (ASGD3). Also called: Glaucoma iridogoniodysplasia, familial; IRIDOGONIODYSGENESIS ANOMALY, AUTOSOMAL DOMINANT. Identifiers: Orphanet 91483, MedGen C5975707, MONDO:0024456, OMIM 601631.
Axenfeld-Rieger syndrome type 3 (RIEG3). Also called: AXENFELD-RIEGER ANOMALY WITH CARDIAC DEFECTS AND/OR SENSORINEURAL HEARING LOSS. Identifiers: Orphanet 782, MedGen C2678503, MONDO:0011233, OMIM 602482.

Allele frequency attached by ClinVar (database versions not stated): gnomAD exomes 0.00001.

Submissions (3):

Fulgent Genetics
Classification: Uncertain significance for Anterior segment dysgenesis 3; Axenfeld-Rieger syndrome type 3. Last evaluated: 2024-01-08. Review status: criteria provided, single submitter. Criteria: ACMG Guidelines, 2015. Collection method: clinical testing. Allele origin: germline.

Revvity Omics, Revvity
Classification: Uncertain significance. Last evaluated: 2023-05-03. Review status: criteria provided, single submitter. Criteria: ACMG Guidelines, 2015. Collection method: clinical testing. Allele origin: germline.

Labcorp Genetics (formerly Invitae), Labcorp
Classification: Uncertain significance for Axenfeld-Rieger syndrome type 3. Last evaluated: 2023-02-14. Review status: criteria provided, single submitter. Criteria: Invitae Variant Classification Sherloc (09022015). Collection method: clinical testing. Allele origin: germline.
Comment: This sequence change replaces alanine, which is neutral and non-polar, with valine, which is neutral and non-polar, at codon 336 of the FOXC1 protein (p.Ala336Val). This variant is not present in population databases (gnomAD no frequency). This variant has not been reported in the literature in individuals affected with FOXC1-related conditions. An algorithm developed to predict the effect of missense changes on protein structure and function (PolyPhen-2) suggests that this variant is likely to be tolerated. In summary, the available evidence is currently insufficient to determine the role of this variant in disease. Therefore, it has been classified as a Variant of Uncertain Significance.